The following is an entry in ClinVar:

ClinVar aggregate classification (germline): Likely benign (1 of 4 stars; one submission).

Conditions:
IQCB1-related disorder. Also called: IQCB1-related condition.

gnomAD v4.1: 2 of 1,610,866 alleles (0.00012%); highest among the groups gnomAD compares: Non-Finnish European, 0.000085%; no homozygotes.

Submission:

PreventionGenetics, part of Exact Sciences
Classification: Likely benign for IQCB1-related condition. Last evaluated: 2025-09-26. Review status: criteria provided, single submitter. Criteria: ACMG Guidelines, 2015. Collection method: clinical testing. Allele origin: germline.
Comment: This variant is classified as likely benign based on ACMG/AMP sequence variant interpretation guidelines (Richards et al. 2015 PMID: 25741868, with internal and published modifications).

NM_001023570.4(IQCB1):c.702A>G (p.Leu234=)

Gene: IQCB1 (IQ motif containing B1; minus strand). Cytogenetic location: 3q13.33.
Variant type: single nucleotide variant.
Coding change: c.702A>G on transcript NM_001023570.4 (MANE Select); coding-DNA position 702, A replaced by G.
Protein change: p.Leu234=; no amino-acid change (leucine 234 retained).
Molecular consequence: synonymous variant. On other transcripts: non-coding transcript variant (1), intron variant (1).
Genome position (GRCh38, 1-based): chr3:121,799,260, T>C on the plus strand (A>G on the coding strand, the complement: IQCB1 is on the minus strand). VCF-style: chr3-121799260-T-C. GRCh37 (hg19) VCF-style: chr3-121518107-T-C.
Other names: c.702A>G, p.Leu234= (NM_001319107.2); c.587+8084A>G (NM_001023571.4).
Identifiers: ClinVar variation 4983355 (VCV004983355.1).